The following is an entry in ClinVar:

NM_005219.5(DIAPH1):c.145-3C>T

Gene: DIAPH1 (diaphanous related formin 1; minus strand). Cytogenetic location: 5q31.3.
Variant type: single nucleotide variant.
Coding change: c.145-3C>T on transcript NM_005219.5 (MANE Select); 3 bases into the intron before coding-DNA position 145, C replaced by T.
Molecular consequence: intron variant.
Genome position (GRCh38, 1-based): chr5:141,587,200, G>A on the plus strand (C>T on the coding strand, the complement: DIAPH1 is on the minus strand). VCF-style: chr5-141587200-G-A. GRCh37 (hg19) VCF-style: chr5-140966767-G-A.
Other names: c.118-3C>T (NM_001079812.3); c.145-3C>T (NM_001314007.2).
Identifiers: ClinVar variation 4784345 (VCV004784345.1).

ClinVar aggregate classification (germline): Uncertain significance (1 of 4 stars; one submission).

Conditions:
Autosomal dominant nonsyndromic hearing loss 1. Also called: KONIGSMARK SYNDROME; DEAFNESS, AUTOSOMAL DOMINANT 1, WITH OR WITHOUT THROMBOCYTOPENIA. Identifiers: Orphanet 90635, MedGen C1852282, MONDO:0007424, OMIM 124900.
Progressive microcephaly-seizures-cortical blindness-developmental delay syndrome. Also called: Seizures, cortical blindness, and microcephaly syndrome. Identifiers: Orphanet 477814, MedGen C5567650, MONDO:0014714, OMIM 616632.

Submission:

Labcorp Genetics (formerly Invitae), Labcorp
Classification: Uncertain significance for Progressive microcephaly-seizures-cortical blindness-developmental delay syndrome; Autosomal dominant nonsyndromic hearing loss 1. Last evaluated: 2025-04-09. Review status: criteria provided, single submitter. Criteria: Invitae Variant Classification Sherloc (09022015). Collection method: clinical testing. Allele origin: germline.
Comment: This sequence change falls in intron 2 of the DIAPH1 gene. It does not directly change the encoded amino acid sequence of the DIAPH1 protein. It affects a nucleotide within the consensus splice site. This variant is not present in population databases (gnomAD no frequency). This variant has not been reported in the literature in individuals affected with DIAPH1-related conditions. Variants that disrupt the consensus splice site are a relatively common cause of aberrant splicing (PMID: 17576681, 9536098). Algorithms developed to predict the effect of sequence changes on RNA splicing suggest that this variant is not likely to affect RNA splicing. In summary, the available evidence is currently insufficient to determine the role of this variant in disease. Therefore, it has been classified as a Variant of Uncertain Significance.

Literature cited by the submitters: PubMed 17576681; PubMed 9536098.